The following is an entry in ClinVar:

NM_052859.4(RFT1):c.511G>A (p.Val171Met)

Gene: RFT1 (RFT1 glycolipid translocator homolog; minus strand). Cytogenetic location: 3p21.1.
Variant type: single nucleotide variant.
Coding change: c.511G>A on transcript NM_052859.4 (MANE Select); coding-DNA position 511, G replaced by A.
Protein change: p.Val171Met; replaces valine 171 with methionine.
Molecular consequence: missense variant.
Genome position (GRCh38, 1-based): chr3:53,121,746, C>T on the plus strand (G>A on the coding strand, the complement: RFT1 is on the minus strand). VCF-style: chr3-53121746-C-T. GRCh37 (hg19) VCF-style: chr3-53155762-C-T.
Other names: short protein forms V171M.
Identifiers: ClinVar variation 1490264 (VCV001490264.8), dbSNP rs561602179, ClinGen allele CA2451434.

ClinVar aggregate classification (germline): Uncertain significance. Review status: criteria provided, multiple submitters, no conflicts (2 of 4 stars). 2 submissions from 2 submitters: Uncertain significance (2). Last evaluated 2022-07-06.

Conditions:
RFT1-congenital disorder of glycosylation (CDG1N). Also called: Congenital disorder of glycosylation type In; CDG In; RFT1-CDG. Identifiers: Orphanet 244310, MedGen C2677590, MONDO:0012783, OMIM 612015.

Allele frequency attached by ClinVar (database versions not stated): gnomAD exomes 0.00002; ExAC 0.00003; 1000 Genomes Project 30x 0.00016; 1000 Genomes Project 0.00020.

Submissions (2):

Labcorp Genetics (formerly Invitae), Labcorp
Classification: Uncertain significance for RFT1-congenital disorder of glycosylation. Last evaluated: 2022-07-06. Review status: criteria provided, single submitter. Criteria: Invitae Variant Classification Sherloc (09022015). Collection method: clinical testing. Allele origin: germline.
Comment: This variant has not been reported in the literature in individuals affected with RFT1-related conditions. This sequence change replaces valine, which is neutral and non-polar, with methionine, which is neutral and non-polar, at codon 171 of the RFT1 protein (p.Val171Met). This variant is present in population databases (rs561602179, gnomAD 0.02%). ClinVar contains an entry for this variant (Variation ID: 1490264). Algorithms developed to predict the effect of missense changes on protein structure and function are either unavailable or do not agree on the potential impact of this missense change (SIFT: "Deleterious"; PolyPhen-2: "Probably Damaging"; Align-GVGD: "Class C0"). In summary, the available evidence is currently insufficient to determine the role of this variant in disease. Therefore, it has been classified as a Variant of Uncertain Significance.

Blueprint Genetics
Classification: Uncertain significance. Last evaluated: 2020-11-12. Review status: criteria provided, single submitter. Criteria: ACMG Guidelines, 2015. Collection method: clinical testing. Allele origin: germline.